The following is an entry in ClinVar:

ClinVar aggregate classification (germline): Uncertain significance. Review status: criteria provided, multiple submitters, no conflicts (2 of 4 stars). 2 submissions from 2 submitters: Uncertain significance (2). Last evaluated 2026-01-12.

Conditions:
Sifrim-Hitz-Weiss syndrome (SIHIWES). Also called: SIFRIM-HITZ-WEISS MULTIPLE CONGENITAL ANOMALIES-MENTAL RETARDATION SYNDROME; CHD4 Neurodevelopmental Disorder. Identifiers: Orphanet 653712, MedGen C4310688, MONDO:0014946, OMIM 617159.

Allele frequency attached by ClinVar (database versions not stated): TOPMed below 0.00001; ExAC 0.00001; gnomAD exomes 0.00001.
gnomAD v4.1: 6 of 1,611,372 alleles (0.00037%); highest among the groups gnomAD compares: Non-Finnish European, 0.00034%; no homozygotes.

Submissions (2):

Labcorp Genetics (formerly Invitae), Labcorp
Classification: Uncertain significance. Last evaluated: 2026-01-12. Review status: criteria provided, single submitter. Criteria: Invitae Variant Classification Sherloc (09022015). Collection method: clinical testing. Allele origin: germline.
Comment: This sequence change replaces serine, which is neutral and polar, with cysteine, which is neutral and slightly polar, at codon 1836 of the CHD4 protein (p.Ser1836Cys). This variant is present in population databases (rs770801247, gnomAD 0.003%). This variant has not been reported in the literature in individuals affected with CHD4-related conditions. ClinVar contains an entry for this variant (Variation ID: 1299613). Invitae Evidence Modeling of protein sequence and biophysical properties (such as structural, functional, and spatial information, amino acid conservation, physicochemical variation, residue mobility, and thermodynamic stability) indicates that this missense variant is expected to disrupt CHD4 protein function with a positive predictive value of 80%. In summary, the available evidence is currently insufficient to determine the role of this variant in disease. Therefore, it has been classified as a Variant of Uncertain Significance.

Laboratory of Medical Genetics, National & Kapodistrian University of Athens
Classification: Uncertain significance for Sifrim-Hitz-Weiss syndrome. Last evaluated: 2021-10-06. Review status: criteria provided, single submitter. Criteria: ACMG Guidelines, 2015. Collection method: clinical testing. Allele origin: paternal.
Comment: PM2, PP2, PP3

NM_001273.5(CHD4):c.5507C>G (p.Ser1836Cys)

Genes: CHD4 (chromodomain helicase DNA binding protein 4; minus strand), CHD4-AS1 (CHD4 antisense RNA 1; plus strand). Cytogenetic location: 12p13.31.
Variant type: single nucleotide variant.
Coding change: c.5507C>G on transcript NM_001273.5 (MANE Select); coding-DNA position 5507, C replaced by G.
Protein change: p.Ser1836Cys; replaces serine 1836 with cysteine.
Molecular consequence: missense variant.
Genome position (GRCh38, 1-based): chr12:6,573,124, G>C on the plus strand (C>G on the coding strand, the complement: CHD4 is on the minus strand). VCF-style: chr12-6573124-G-C. GRCh37 (hg19) VCF-style: chr12-6682290-G-C.
Other names: c.5486C>G, p.Ser1829Cys (NM_001297553.2); c.5474C>G, p.Ser1825Cys (NM_001363606.2); short protein forms S1825C, S1829C, S1836C.
Identifiers: ClinVar variation 1299613 (VCV001299613.6), dbSNP rs770801247, ClinGen allele CA6411208.